The following is an entry in ClinVar:

ClinVar aggregate classification (germline): Conflicting classifications of pathogenicity. Review status: criteria provided, conflicting classifications (1 of 4 stars). 4 submissions from 4 submitters: Uncertain significance (2); Likely benign (1). 1 of the submissions does not count toward it. Last evaluated 2025-11-17.

Conditions:
WDR35-related disorder. Also called: WDR35-related disorders; WDR35-related condition. Identifiers: MedGen CN239419.
Cranioectodermal dysplasia 2 (CED2). Identifiers: Orphanet 1515, MedGen C3150874, MONDO:0013323, OMIM 613610.
Short-rib thoracic dysplasia 7 with or without polydactyly (SRTD7). Also called: Short rib polydactyly syndrome 5; SHORT-RIB THORACIC DYSPLASIA 7 WITH POLYDACTYLY. Identifiers: Orphanet 498497, Orphanet 93271, MedGen C3279792, MONDO:0013569, OMIM 614091.
Inborn genetic diseases. Identifiers: MedGen C0950123, MeSH D030342.

Allele frequency attached by ClinVar (database versions not stated): gnomAD 0.00006; TOPMed 0.00011; ExAC 0.00023; gnomAD exomes 0.00025.
gnomAD v4.1: 120 of 1,613,556 alleles (0.0074%); highest among the groups gnomAD compares: East Asian, 0.2%; 2 homozygotes.

Submissions (4):

GeneDx
Classification: Uncertain significance. Last evaluated: 2025-11-17. Review status: criteria provided, single submitter. Criteria: GeneDx Variant Classification Process June 2021. Collection method: clinical testing. Allele origin: germline. Affected: yes.
Comment: In silico analysis supports that this missense variant has a deleterious effect on protein structure/function; Has not been previously published as pathogenic or benign to our knowledge

Labcorp Genetics (formerly Invitae), Labcorp
Classification: Likely benign for Cranioectodermal dysplasia 2; Short-rib thoracic dysplasia 7 with or without polydactyly. Last evaluated: 2025-10-14. Review status: criteria provided, single submitter. Criteria: Invitae Variant Classification Sherloc (09022015). Collection method: clinical testing. Allele origin: germline.

Ambry Genetics
Classification: Uncertain significance for Inborn genetic diseases. Last evaluated: 2023-05-23. Review status: criteria provided, single submitter. Criteria: Ambry Variant Classification Scheme 2023. Collection method: clinical testing. Allele origin: germline.

PreventionGenetics, part of Exact Sciences
Classification: Likely benign for WDR35-related condition. Last evaluated: 2022-07-08. Review status: no assertion criteria provided. Collection method: clinical testing. Allele origin: germline. Not counted in ClinVar's aggregate classification.
Comment: This variant is classified as likely benign based on ACMG/AMP sequence variant interpretation guidelines (Richards et al. 2015 PMID: 25741868, with internal and published modifications).

NM_020779.4(WDR35):c.2573T>C (p.Val858Ala)

Genes: WDR35 (WD repeat domain 35; minus strand), LOC129933186 (ATAC-STARR-seq lymphoblastoid active region 15370; plus strand). Cytogenetic location: 2p24.1.
Variant type: single nucleotide variant.
Coding change: c.2573T>C on transcript NM_020779.4 (MANE Select); coding-DNA position 2573, T replaced by C.
Protein change: p.Val858Ala; replaces valine 858 with alanine.
Molecular consequence: missense variant.
Genome position (GRCh38, 1-based): chr2:19,933,486, A>G on the plus strand (T>C on the coding strand, the complement: WDR35 is on the minus strand). VCF-style: chr2-19933486-A-G. GRCh37 (hg19) VCF-style: chr2-20133247-A-G.
Other names: c.2606T>C, p.Val869Ala (NM_001006657.2); short protein forms V869A, V858A.
Identifiers: ClinVar variation 774100 (VCV000774100.16), dbSNP rs759587265, ClinGen allele CA1542905.